The following is an entry in ClinVar:

ClinVar aggregate classification (germline): Uncertain significance (1 of 4 stars; one submission).

Allele frequency attached by ClinVar (database versions not stated): gnomAD 0.00001.
gnomAD v4.1: 1 of 1,208,849 alleles (0.000083%); highest among the groups gnomAD compares: East Asian, 0.003%; no homozygotes.

Submission:

Labcorp Genetics (formerly Invitae), Labcorp
Classification: Uncertain significance. Last evaluated: 2023-11-16. Review status: criteria provided, single submitter. Criteria: Invitae Variant Classification Sherloc (09022015). Collection method: clinical testing. Allele origin: germline.
Comment: This sequence change replaces asparagine, which is neutral and polar, with aspartic acid, which is acidic and polar, at codon 1142 of the NEXMIF protein (p.Asn1142Asp). This variant is present in population databases (no rsID available, gnomAD 0.1%). This variant has not been reported in the literature in individuals affected with NEXMIF-related conditions. An algorithm developed to predict the effect of missense changes on protein structure and function (PolyPhen-2) suggests that this variant is likely to be disruptive. In summary, the available evidence is currently insufficient to determine the role of this variant in disease. Therefore, it has been classified as a Variant of Uncertain Significance.

NM_001008537.3(NEXMIF):c.3424A>G (p.Asn1142Asp)

Gene: NEXMIF (neurite extension and migration factor; minus strand). Cytogenetic location: Xq13.3.
Variant type: single nucleotide variant.
Coding change: c.3424A>G on transcript NM_001008537.3 (MANE Select); coding-DNA position 3424, A replaced by G.
Protein change: p.Asn1142Asp; replaces asparagine 1142 with aspartic acid.
Molecular consequence: missense variant.
Genome position (GRCh38, 1-based): chrX:74,741,133, T>C on the plus strand (A>G on the coding strand, the complement: NEXMIF is on the minus strand). VCF-style: chrX-74741133-T-C. GRCh37 (hg19) VCF-style: chrX-73960968-T-C.
Other names: short protein forms N1142D.
Identifiers: ClinVar variation 2723379 (VCV002723379.3), dbSNP rs1403157869, ClinGen allele CA413665975.